The following is an entry in ClinVar:

ClinVar aggregate classification (germline): Uncertain significance (1 of 4 stars; one submission).

Conditions:
MYO5B-related disorder. Also called: MYO5B-related condition.

gnomAD v4.1: 6 of 1,613,558 alleles (0.00037%); highest among the groups gnomAD compares: Non-Finnish European, 0.00051%; no homozygotes.

Submission:

PreventionGenetics, part of Exact Sciences
Classification: Uncertain significance for MYO5B-related condition. Last evaluated: 2025-01-29. Review status: criteria provided, single submitter. Criteria: ACMG Guidelines, 2015. Collection method: clinical testing. Allele origin: germline.
Comment: The MYO5B c.763G>C variant is predicted to result in the amino acid substitution p.Asp255His. To our knowledge, this variant has not been reported in the literature or in a large population database (gnomAD), indicating this variant is rare. At this time, the clinical significance of this variant is uncertain due to the absence of conclusive functional and genetic evidence.

NM_001080467.3(MYO5B):c.763G>C (p.Asp255His)

Gene: MYO5B (myosin VB; minus strand). Cytogenetic location: 18q21.1.
Variant type: single nucleotide variant.
Coding change: c.763G>C on transcript NM_001080467.3 (MANE Select); coding-DNA position 763, G replaced by C.
Protein change: p.Asp255His; replaces aspartic acid 255 with histidine.
Molecular consequence: missense variant.
Genome position (GRCh38, 1-based): chr18:49,990,514, C>G on the plus strand (G>C on the coding strand, the complement: MYO5B is on the minus strand). VCF-style: chr18-49990514-C-G. GRCh37 (hg19) VCF-style: chr18-47516884-C-G.
Other names: short protein forms D255H.
Identifiers: ClinVar variation 4986632 (VCV004986632.1).